The following is an entry in ClinVar:

NM_001346754.2(PIGW):c.951G>T (p.Met317Ile)

Genes: MYO19 (myosin XIX; minus strand), PIGW (phosphatidylinositol glycan anchor biosynthesis class W; plus strand). Cytogenetic location: 17q12.
Variant type: single nucleotide variant.
Coding change: c.951G>T on transcript NM_001346754.2 (MANE Select); coding-DNA position 951, G replaced by T.
Protein change: p.Met317Ile; replaces methionine 317 with isoleucine.
Molecular consequence: missense variant.
Genome position (GRCh38, 1-based): chr17:36,538,052, G>T. VCF-style: chr17-36538052-G-T. GRCh37 (hg19) VCF-style: chr17-34893901-G-T.
Other names: c.951G>T, p.Met317Ile (NM_001346755.2, NM_178517.5); short protein forms M317I.
Identifiers: ClinVar variation 834561 (VCV000834561.9), dbSNP rs756600566, ClinGen allele CA290116415.

ClinVar aggregate classification (germline): Uncertain significance (1 of 4 stars; one submission).

Conditions:
Hyperphosphatasia with intellectual disability syndrome 5 (GPIBD11). Also called: GLYCOSYLPHOSPHATIDYLINOSITOL BIOSYNTHESIS DEFECT 11. Identifiers: Orphanet 247262, MedGen C4014958, MONDO:0014457, OMIM 616025.

Allele frequency attached by ClinVar (database versions not stated): TOPMed below 0.00001; gnomAD 0.00001.
gnomAD v4.1: 7 of 1,614,006 alleles (0.00043%); highest among the groups gnomAD compares: Non-Finnish European, 0.00059%; no homozygotes.

Submission:

Labcorp Genetics (formerly Invitae), Labcorp
Classification: Uncertain significance for Hyperphosphatasia with intellectual disability syndrome 5. Last evaluated: 2024-02-24. Review status: criteria provided, single submitter. Criteria: Invitae Variant Classification Sherloc (09022015). Collection method: clinical testing. Allele origin: germline.
Comment: This sequence change replaces methionine, which is neutral and non-polar, with isoleucine, which is neutral and non-polar, at codon 317 of the PIGW protein (p.Met317Ile). This variant is not present in population databases (gnomAD no frequency). This variant has not been reported in the literature in individuals affected with PIGW-related conditions. ClinVar contains an entry for this variant (Variation ID: 834561). Advanced modeling of protein sequence and biophysical properties (such as structural, functional, and spatial information, amino acid conservation, physicochemical variation, residue mobility, and thermodynamic stability) performed at Invitae indicates that this missense variant is not expected to disrupt PIGW protein function with a negative predictive value of 80%. In summary, the available evidence is currently insufficient to determine the role of this variant in disease. Therefore, it has been classified as a Variant of Uncertain Significance.